The following is an entry in ClinVar:

ClinVar aggregate classification (germline): Uncertain significance (1 of 4 stars; one submission).

Conditions:
Familial cancer of breast. Also called: BREAST CANCER, FAMILIAL; Hereditary breast cancer; hereditary breast carcinoma. Identifiers: Orphanet 227535, MedGen C0346153, MONDO:0016419, OMIM 114480. Disease mechanism: loss of function.

Submission:

Labcorp Genetics (formerly Invitae), Labcorp
Classification: Uncertain significance for Familial cancer of breast. Last evaluated: 2016-04-16. Review status: criteria provided, single submitter. Criteria: Invitae Variant Classification Sherloc (09022015). Collection method: clinical testing. Allele origin: germline.
Comment: This sequence change replaces lysine with glutamine at codon 312 of the BARD1 protein (p.Lys312Gln). The lysine residue is weakly conserved and there is a small physicochemical difference between lysine and glutamine. Algorithms developed to predict the effect of missense changes on protein structure and function (SIFT, PolyPhen-2, Align-GVGD) all suggest that this variant is likely to be tolerated, but these predictions have not been confirmed by published functional studies. In summary, this variant is a novel missense change that is not predicted to affect protein function. There is no indication that it causes disease, but the available evidence is currently insufficient to prove that conclusively. Therefore, it has been classified as a Variant of Uncertain Significance. This variant is not present in population databases (ExAC no frequency) and has not been reported in the literature in individuals with a BARD1-related disease.

NM_000465.4(BARD1):c.934A>C (p.Lys312Gln)

Gene: BARD1 (BRCA1 associated RING domain 1; minus strand). Cytogenetic location: 2q35.
Variant type: single nucleotide variant.
Coding change: c.934A>C on transcript NM_000465.4 (MANE Select); coding-DNA position 934, A replaced by C.
Protein change: p.Lys312Gln; replaces lysine 312 with glutamine.
Molecular consequence: missense variant. On other transcripts: non-coding transcript variant (2), intron variant (3).
Genome position (GRCh38, 1-based): chr2:214,780,940, T>G on the plus strand (A>C on the coding strand, the complement: BARD1 is on the minus strand). VCF-style: chr2-214780940-T-G. GRCh37 (hg19) VCF-style: chr2-215645664-T-G.
Other names: c.877A>C, p.Lys293Gln (NM_001282543.2); c.159-28385A>C (NM_001282548.2); c.215+16121A>C (NM_001282545.2); c.364+11357A>C (NM_001282549.2); short protein forms K312Q, K293Q.
Identifiers: ClinVar variation 406752 (VCV000406752.9), dbSNP rs1060501291, ClinGen allele CA16610742.